The following is an entry in ClinVar:

NM_016151.4(TAOK2):c.3107G>A (p.Arg1036Gln)

Gene: TAOK2 (TAO kinase 2; plus strand). Cytogenetic location: 16p11.2.
Variant type: single nucleotide variant.
Coding change: c.3107G>A on transcript NM_016151.4 (MANE Select); coding-DNA position 3107, G replaced by A.
Protein change: p.Arg1036Gln; replaces arginine 1036 with glutamine.
Molecular consequence: missense variant. On other transcripts: intron variant (1).
Genome position (GRCh38, 1-based): chr16:29,987,379, G>A. VCF-style: chr16-29987379-G-A. GRCh37 (hg19) VCF-style: chr16-29998700-G-A.
Other names: c.2768G>A, p.Arg923Gln (NM_001252043.2); c.2232+875G>A (NM_004783.4); short protein forms R923Q, R1036Q.
Identifiers: ClinVar variation 1421666 (VCV001421666.6), dbSNP rs146662869, ClinGen allele CA7998502.
Genomic context (GRCh38, chr16:29,987,379, plus strand): 5'-TTTTCCTACTCCTGGCCCAGGGTACCGCACTGGGGGCCGTCCTGGGCCTGAGCTGGCGCC[G>A]AGGCCTCATGGGTGTTCCCCTGGGCCTTGGAGCTGCCTGGCTCTTAGCTTGGCCAGGCCT-3'
Protein context (NP_057235.2, residues 1026-1046): LGAVLGLSWR[Arg1036Gln]GLMGVPLGLG

ClinVar aggregate classification (germline): Uncertain significance (1 of 4 stars; one submission).

Allele frequency attached by ClinVar (database versions not stated): gnomAD exomes 0.00003; ExAC 0.00005; ESP Exome Variant Server 0.00008; TOPMed 0.00008; gnomAD 0.00011.
gnomAD v4.1: 92 of 1,600,108 alleles (0.0057%); highest among the groups gnomAD compares: Non-Finnish European, 0.0072%; 1 homozygote.

Submission:

Labcorp Genetics (formerly Invitae), Labcorp
Classification: Uncertain significance. Last evaluated: 2026-02-01. Review status: criteria provided, single submitter. Criteria: Invitae Variant Classification Sherloc (09022015). Collection method: clinical testing. Allele origin: germline.
Comment: This sequence change replaces arginine, which is basic and polar, with glutamine, which is neutral and polar, at codon 1036 of the TAOK2 protein (p.Arg1036Gln). This variant is present in population databases (rs146662869, gnomAD 0.007%). This variant has not been reported in the literature in individuals affected with TAOK2-related conditions. ClinVar contains an entry for this variant (Variation ID: 1421666). An algorithm developed to predict the effect of missense changes on protein structure and function (PolyPhen-2) suggests that this variant is likely to be disruptive. In summary, the available evidence is currently insufficient to determine the role of this variant in disease. Therefore, it has been classified as a Variant of Uncertain Significance.